The following is an entry in ClinVar:

ClinVar aggregate classification (germline): Uncertain significance. Review status: criteria provided, multiple submitters, no conflicts (2 of 4 stars). 2 submissions from 2 submitters: Uncertain significance (2). Last evaluated 2025-06-20.

Conditions:
Hereditary cancer-predisposing syndrome. Also called: Tumor predisposition; Hereditary Cancer Syndrome; Hereditary neoplastic syndrome; Neoplastic Syndromes, Hereditary. Identifiers: Orphanet 140162, MedGen C0027672, MeSH D009386, MONDO:0015356.
Familial adenomatous polyposis 1 (FAP1). Also called: POLYPOSIS, ADENOMATOUS INTESTINAL; FAMILIAL ADENOMATOUS POLYPOSIS 1, ATTENUATED. Identifiers: MedGen C2713442, MONDO:0021056, OMIM 175100. Disease mechanism: loss of function.

gnomAD v4.1: 2 of 1,614,128 alleles (0.00012%); highest among the groups gnomAD compares: Non-Finnish European, 0.00017%; no homozygotes.

Submissions (2):

Labcorp Genetics (formerly Invitae), Labcorp
Classification: Uncertain significance for Familial adenomatous polyposis 1. Last evaluated: 2025-06-20. Review status: criteria provided, single submitter. Criteria: Invitae Variant Classification Sherloc (09022015). Collection method: clinical testing. Allele origin: germline.
Comment: This sequence change replaces proline, which is neutral and non-polar, with alanine, which is neutral and non-polar, at codon 1319 of the APC protein (p.Pro1319Ala). This variant is not present in population databases (gnomAD no frequency). This variant has not been reported in the literature in individuals affected with APC-related conditions. ClinVar contains an entry for this variant (Variation ID: 1991966). Invitae Evidence Modeling of protein sequence and biophysical properties (such as structural, functional, and spatial information, amino acid conservation, physicochemical variation, residue mobility, and thermodynamic stability) indicates that this missense variant is not expected to disrupt APC protein function with a negative predictive value of 95%. In summary, the available evidence is currently insufficient to determine the role of this variant in disease. Therefore, it has been classified as a Variant of Uncertain Significance.

Ambry Genetics
Classification: Uncertain significance for Hereditary cancer-predisposing syndrome. Last evaluated: 2024-08-12. Review status: criteria provided, single submitter. Criteria: Ambry Variant Classification Scheme 2023. Collection method: clinical testing. Allele origin: germline.
Comment: The p.P1319A variant (also known as c.3955C>G), located in coding exon 15 of the APC gene, results from a C to G substitution at nucleotide position 3955. The proline at codon 1319 is replaced by alanine, an amino acid with highly similar properties. This amino acid position is conserved. In addition, in silico predictors for this gene do not accurately predict pathogenicity. Based on the available evidence, the clinical significance of this variant remains unclear.

NM_000038.6(APC):c.3955C>G (p.Pro1319Ala)

Gene: APC (APC regulator of Wnt signaling pathway; plus strand). Cytogenetic location: 5q22.2.
Variant type: single nucleotide variant.
Coding change: c.3955C>G on transcript NM_000038.6 (MANE Select); coding-DNA position 3955, C replaced by G.
Protein change: p.Pro1319Ala; replaces proline 1319 with alanine.
Molecular consequence: missense variant.
Genome position (GRCh38, 1-based): chr5:112,839,549, C>G. VCF-style: chr5-112839549-C-G. GRCh37 (hg19) VCF-style: chr5-112175246-C-G.
Other names: c.3955C>G, p.Pro1319Ala (NM_001127510.3, NM_001354895.2, NM_001407450.1); c.3901C>G, p.Pro1301Ala (NM_001127511.3); c.4009C>G, p.Pro1337Ala (NM_001354896.2, NM_001407447.1, NM_001407448.1 and 1 more transcripts); c.3985C>G, p.Pro1329Ala (NM_001354897.2); c.3880C>G, p.Pro1294Ala (NM_001354898.2); c.3871C>G, p.Pro1291Ala (NM_001354899.2); c.3832C>G, p.Pro1278Ala (NM_001354900.2); c.3955C>G (NM_000038.5); and 12 more; short protein forms P1260A, P1291A, P1294A, P1301A, P1309A, P1159A, P1228A, P935A.
Identifiers: ClinVar variation 1991966 (VCV001991966.5), dbSNP rs1765567515, ClinGen allele CA16030008.